The following is an entry in ClinVar:

NM_006059.4(LAMC3):c.463G>A (p.Gly155Ser)

Gene: LAMC3 (laminin subunit gamma 3; plus strand). Cytogenetic location: 9q34.12.
Variant type: single nucleotide variant.
Coding change: c.463G>A on transcript NM_006059.4 (MANE Select); coding-DNA position 463, G replaced by A.
Protein change: p.Gly155Ser; replaces glycine 155 with serine.
Molecular consequence: missense variant.
Genome position (GRCh38, 1-based): chr9:131,026,374, G>A. VCF-style: chr9-131026374-G-A. GRCh37 (hg19) VCF-style: chr9-133901761-G-A.
Other names: short protein forms G155S.
Identifiers: ClinVar variation 2504883 (VCV002504883.1), dbSNP rs753037720, ClinGen allele CA5286700.
Genomic context (GRCh38, chr9:131,026,374, plus strand): 5'-CTGAAGTTCCACACCAGTCGCCCTGAGAGCTTTGCCATCTACAAGCGCAGCCGCGCCGAC[G>A]GCCCATGGGAGCCCTACCAGTTCTACAGCGCCTCCTGCCAGAAGACCTACGGCCGGCCCG-3'
Protein context (NP_006050.3, residues 145-165): FAIYKRSRAD[Gly155Ser]PWEPYQFYSA

ClinVar aggregate classification (germline): Uncertain significance (1 of 4 stars; one submission).

Allele frequency attached by ClinVar (database versions not stated): gnomAD 0.00001; gnomAD exomes 0.00001; TOPMed 0.00001; ExAC 0.00002.
gnomAD v4.1: 12 of 1,614,012 alleles (0.00074%); highest among the groups gnomAD compares: East Asian, 0.0045%; no homozygotes.

Submission:

GeneDx
Classification: Uncertain significance. Last evaluated: 2022-12-06. Review status: criteria provided, single submitter. Criteria: GeneDx Variant Classification Process June 2021. Collection method: clinical testing. Allele origin: germline. Affected: yes.
Comment: Not observed at significant frequency in large population cohorts (gnomAD); In silico analysis supports that this missense variant has a deleterious effect on protein structure/function; Has not been previously published as pathogenic or benign to our knowledge